The following is an entry in ClinVar:

ClinVar aggregate classification (germline): Benign. Review status: reviewed by expert panel (3 of 4 stars). 32 submissions from 31 submitters: Benign (1). 31 of the submissions do not count toward it. Last evaluated 2019-06-18.

Conditions:
BRCA2-related cancer predisposition. Identifiers: MedGen CN377758, MONDO:0700269.
Breast and/or ovarian cancer. Identifiers: MedGen CN221562.
Hereditary cancer-predisposing syndrome. Also called: Neoplastic Syndromes, Hereditary; Hereditary neoplastic syndrome; Hereditary Cancer Syndrome; Tumor predisposition. Identifiers: Orphanet 140162, MedGen C0027672, MeSH D009386, MONDO:0015356.
Hereditary breast ovarian cancer syndrome. Also called: Hereditary breast and ovarian cancer syndrome (HBOC); Breast and ovarian cancer; BRCA1- and BRCA2-Associated Hereditary Breast and Ovarian Cancer; Hereditary breast and ovarian cancer syndrome; Hereditary breast and ovarian cancer; Hereditary breast and/or ovarian cancer syndrome. Identifiers: Orphanet 145, MedGen C0677776, MeSH D061325, MONDO:0003582. Disease mechanism: loss of function.
Fanconi anemia complementation group D1. Also called: BRCA2-Related Fanconi Anemia. Identifiers: Orphanet 319462, MedGen C1838457, MONDO:0011584, OMIM 605724.
Breast-ovarian cancer, familial, susceptibility to, 2 (BROVCA2). Also called: BRCA2 Hereditary Breast and Ovarian Cancer. Identifiers: Orphanet 145, MedGen C2675520, MONDO:0012933, OMIM 612555. Disease mechanism: loss of function.
Familial cancer of breast. Also called: Hereditary breast cancer; hereditary breast carcinoma; BREAST CANCER, FAMILIAL. Identifiers: Orphanet 227535, MedGen C0346153, MONDO:0016419, OMIM 114480. Disease mechanism: loss of function.

Allele frequency attached by ClinVar (database versions not stated): gnomAD 0.00019 and 0.00025; 1000 Genomes Project 30x 0.00141; TOPMed 0.00035; ExAC 0.00058; gnomAD exomes 0.00062 and 0.00021; ESP Exome Variant Server 0.00031; 1000 Genomes Project 0.00120.
gnomAD v4.1: 371 of 1,608,914 alleles (0.023%); highest among the groups gnomAD compares: East Asian, 0.33%; no homozygotes.

Submissions 1 to 19 of 32:

Evidence-based Network for the Interpretation of Germline Mutant Alleles (ENIGMA)
Classification: Benign for Breast-ovarian cancer, familial, susceptibility to, 2. Last evaluated: 2019-06-18. Review status: reviewed by expert panel. Criteria: ENIGMA BRCA1/2 Classification Criteria (2017-06-29). Collection method: curation. Allele origin: germline.
Comment: IARC class based on posterior probability from multifactorial likelihood analysis, thresholds for class as per Plon et al. 2008 (PMID: 18951446). Class 1 based on posterior probability = 0.000248

CeGaT Center for Human Genetics Tuebingen
Classification: Benign. Last evaluated: 2026-07-01. Review status: criteria provided, single submitter. Criteria: CeGaT Center For Human Genetics Tuebingen Variant Classification Criteria Version 2. Collection method: clinical testing. Allele origin: germline. Affected: yes. Observed: 8 variant alleles. Not counted in ClinVar's aggregate classification.
Comment: BRCA2: BP4, BS1, BS2

Labcorp Genetics (formerly Invitae), Labcorp
Classification: Benign for Hereditary breast ovarian cancer syndrome. Last evaluated: 2026-02-03. Review status: criteria provided, single submitter. Criteria: Invitae Variant Classification Sherloc (09022015). Collection method: clinical testing. Allele origin: germline. Not counted in ClinVar's aggregate classification.

Center for Genomic Medicine, Rigshospitalet, Copenhagen University Hospital
Classification: Benign. Last evaluated: 2025-03-04. Review status: criteria provided, single submitter. Criteria: ACMG Guidelines, 2015. Collection method: clinical testing. Allele origin: germline. Not counted in ClinVar's aggregate classification.

Institute for Biomarker Research, Medical Diagnostic Laboratories, L.L.C.
Classification: Benign for Hereditary breast ovarian cancer syndrome. Last evaluated: 2025-01-30. Review status: criteria provided, single submitter. Criteria: ACMG Guidelines, 2015. Collection method: clinical testing. Allele origin: germline. Not counted in ClinVar's aggregate classification.
Comment: The missense variant NM_000059.4(BRCA2):c.6322C>T (p.Arg2108Cys) has been reported to ClinVar as Benign with a status of (3 stars) reviewed by expert panel (Variation ID 41559 as of 2025-01-02). The variant is observed in one or more well-documented healthy adults. The p.Arg2108Cys missense variant is predicted to be tolerated by both SIFT or PolyPhen2. The cysteine residue at codon 2108 of BRCA2 is present in Orangutan and 46 other mammalian species. For these reasons, this variant has been classified as Benign

All of Us Research Program, National Institutes of Health
Classification: Likely benign for BRCA2-related cancer predisposition. Last evaluated: 2024-09-23. Review status: criteria provided, single submitter. Criteria: ACMG Guidelines, 2015. Collection method: clinical testing. Allele origin: germline. Inheritance: Autosomal dominant inheritance. Observed: 118 variant alleles, 117 heterozygotes, 1 homozygote. Not counted in ClinVar's aggregate classification.
Comment: This study involves interpretation of variants in research participants for the purpose of population health screening. Participant phenotype was not available at the time of variant classification. Additional details can be found in publication PMID: 35346344, PMCID: PMC8962531

Blueprint Genetics
Classification: Likely benign. Last evaluated: 2024-09-18. Review status: criteria provided, single submitter. Criteria: ACMG Guidelines, 2015. Collection method: clinical testing. Allele origin: germline. Not counted in ClinVar's aggregate classification.

ARUP Laboratories, Molecular Genetics and Genomics, ARUP Laboratories
Classification: Benign. Last evaluated: 2024-05-04. Review status: criteria provided, single submitter. Criteria: ARUP Molecular Germline Variant Investigation Process 2024. Collection method: clinical testing. Allele origin: germline. Not counted in ClinVar's aggregate classification.

Sema4
Classification: Benign for Hereditary cancer-predisposing syndrome. Last evaluated: 2020-10-19. Review status: criteria provided, single submitter. Criteria: Sema4 Curation Guidelines. Collection method: curation. Allele origin: germline. Not counted in ClinVar's aggregate classification.

GeneDx
Classification: Likely benign. Last evaluated: 2020-09-28. Review status: criteria provided, single submitter. Criteria: GeneDx Variant Classification Process June 2021. Collection method: clinical testing. Allele origin: germline. Affected: yes. Not counted in ClinVar's aggregate classification.
Comment: This variant is associated with the following publications: (PMID: 21671020, 22713736, 24728327, 28477318, 28324225, 18284688, 30254663, 17972177, 25782689, 24323938, 24489791, 22703879, 21520273, 23469205, 23328489, 18627636, 20104584, 25777348, 26183948, 22874498, 15172753, 24504028, 28222693, 27376475, 29061375, 28664449, 28392550, 28651617, 29302806, 21218378, 27882536, 30093976, 32072338)

PreventionGenetics, part of Exact Sciences
Classification: Benign. Last evaluated: 2017-08-17. Review status: criteria provided, single submitter. Criteria: ACMG Guidelines, 2015. Collection method: clinical testing. Allele origin: germline. Not counted in ClinVar's aggregate classification.

Genome Diagnostics Laboratory, University Medical Center Utrecht
Classification: Likely benign for Breast-ovarian cancer, familial, susceptibility to, 2. Last evaluated: 2017-07-28. Review status: criteria provided, single submitter. Criteria: ACGS Guidelines, 2013. Collection method: clinical testing. Allele origin: germline. Affected: yes. Study: VKGL Data-share Consensus. Not counted in ClinVar's aggregate classification.

Illumina Laboratory Services, Illumina
Classification: Likely benign for Breast-ovarian cancer, familial, susceptibility to, 2. Last evaluated: 2017-04-27. Review status: criteria provided, single submitter. Criteria: ICSL Variant Classification Criteria 13 December 2019. Collection method: clinical testing. Allele origin: germline. Not counted in ClinVar's aggregate classification.
Comment: This variant was observed as part of a predisposition screen in an ostensibly healthy population. A literature search was performed for the gene, cDNA change, and amino acid change (where applicable). No publications were found based on this search. Allele frequency data from public databases allowed determination this variant is unlikely to cause disease. Therefore, this variant is classified as likely benign.

Illumina Laboratory Services, Illumina
Classification: Likely benign for Fanconi anemia complementation group D1. Last evaluated: 2017-04-27. Review status: criteria provided, single submitter. Criteria: ICSL Variant Classification Criteria 13 December 2019. Collection method: clinical testing. Allele origin: germline. Not counted in ClinVar's aggregate classification.
Comment: the same text as in the submission from Illumina Laboratory Services, Illumina above.

Molecular Genetics Laboratory, University of Michigan
Classification: Benign for Breast-ovarian cancer, familial, susceptibility to, 2. Last evaluated: 2016-04-21. Review status: criteria provided, single submitter. Criteria: ACMG Guidelines, 2015. Collection method: clinical testing. Allele origin: germline. Affected: yes. Not counted in ClinVar's aggregate classification.

CHEO Genetics Diagnostic Laboratory, Children's Hospital of Eastern Ontario
Classification: Benign for Breast and/or ovarian cancer. Last evaluated: 2016-03-09. Review status: criteria provided, single submitter. Criteria: ACMG Guidelines, 2015. Collection method: clinical testing. Allele origin: germline. Study: Canadian Open Genetics Repository. Not counted in ClinVar's aggregate classification.

Clinical Genetics DNA and cytogenetics Diagnostics Lab, Erasmus MC, Erasmus Medical Center
Classification: Likely benign for Breast-ovarian cancer, familial, susceptibility to, 2. Last evaluated: 2015-09-21. Review status: criteria provided, single submitter. Criteria: ACGS Guidelines, 2013. Collection method: clinical testing. Allele origin: germline. Affected: yes. Study: VKGL Data-share Consensus. Not counted in ClinVar's aggregate classification.

Women's Health and Genetics/Laboratory Corporation of America, LabCorp
Classification: Benign for Hereditary breast ovarian cancer syndrome. Last evaluated: 2015-04-30. Review status: criteria provided, single submitter. Criteria: LabCorp Variant Classification Summary - May 2015. Collection method: clinical testing. Allele origin: germline. Not counted in ClinVar's aggregate classification.

Color Diagnostics, LLC DBA Color Health
Classification: Likely benign for Hereditary cancer-predisposing syndrome. Last evaluated: 2015-04-22. Review status: criteria provided, single submitter. Criteria: ACMG Guidelines, 2015. Collection method: clinical testing. Allele origin: germline. Not counted in ClinVar's aggregate classification.

NM_000059.4(BRCA2):c.6322C>T (p.Arg2108Cys)

Gene: BRCA2 (BRCA2 DNA repair associated; plus strand). Cytogenetic location: 13q13.1.
Variant type: single nucleotide variant.
Coding change: c.6322C>T on transcript NM_000059.4 (MANE Select); coding-DNA position 6322, C replaced by T.
Protein change: p.Arg2108Cys; replaces arginine 2108 with cysteine.
Molecular consequence: missense variant.
Genome position (GRCh38, 1-based): chr13:32,340,677, C>T. VCF-style: chr13-32340677-C-T. GRCh37 (hg19) VCF-style: chr13-32914814-C-T.
Other names: p.R2108C:CGT>TGT; short protein forms R2108C.
Identifiers: ClinVar variation 41559 (VCV000041559.85), dbSNP rs55794205, ClinGen allele CA023896.